The following is an entry in ClinVar:

NM_178140.4(PDZD2):c.993A>C (p.Arg331=)

Gene: PDZD2 (PDZ domain containing 2; plus strand). Cytogenetic location: 5p13.3.
Variant type: single nucleotide variant.
Coding change: c.993A>C on transcript NM_178140.4 (MANE Select); coding-DNA position 993, A replaced by C.
Protein change: p.Arg331=; no amino-acid change (arginine 331 retained).
Molecular consequence: synonymous variant.
Genome position (GRCh38, 1-based): chr5:31,995,590, A>C. VCF-style: chr5-31995590-A-C. GRCh37 (hg19) VCF-style: chr5-31995696-A-C.
Identifiers: ClinVar variation 3040841 (VCV003040841.2), dbSNP rs1405761568, ClinGen allele CA443642178.
Genomic context (GRCh38, chr5:31,995,590, plus strand): 5'-TGTGTCTGTCAACCTCCTTCATGGTGTGCTCACTTTTTCTTCCAAGGAGGAAGTTGGCCG[A>C]ATATGGAAGATGGAGCTGCTCAAAGAATCGGATGGGCTGGGAATTCAGGTTAGTGGAGGC-3'
Protein context (NP_835260.2, residues 321-341): SDCLAREEVG[Arg331=]IWKMELLKES

ClinVar aggregate classification (germline): Likely benign (0 of 4 stars; one submission).

Conditions:
PDZD2-related disorder. Also called: PDZD2-related condition.

Allele frequency attached by ClinVar (database versions not stated): TOPMed below 0.00001.
gnomAD v4.1: 3 of 1,614,166 alleles (0.00019%); highest among the groups gnomAD compares: Middle Eastern, 0.016%; no homozygotes.

Submission:

PreventionGenetics, part of Exact Sciences
Classification: Likely benign for PDZD2-related condition. Last evaluated: 2019-09-18. Review status: no assertion criteria provided. Collection method: clinical testing. Allele origin: germline.
Comment: This variant is classified as likely benign based on ACMG/AMP sequence variant interpretation guidelines (Richards et al. 2015 PMID: 25741868, with internal and published modifications).